The following is an entry in ClinVar:

NM_001429.4(EP300):c.5099A>C (p.Asn1700Thr)

Gene: EP300 (EP300 lysine acetyltransferase; plus strand). Cytogenetic location: 22q13.2.
Variant type: single nucleotide variant.
Coding change: c.5099A>C on transcript NM_001429.4 (MANE Select); coding-DNA position 5099, A replaced by C.
Protein change: p.Asn1700Thr; replaces asparagine 1700 with threonine.
Molecular consequence: missense variant.
Genome position (GRCh38, 1-based): chr22:41,176,810, A>C. VCF-style: chr22-41176810-A-C. GRCh37 (hg19) VCF-style: chr22-41572814-A-C.
Other names: c.5021A>C, p.Asn1674Thr (NM_001362843.2); short protein forms N1674T, N1700T.
Identifiers: ClinVar variation 4994482 (VCV004994482.1).

ClinVar aggregate classification (germline): Uncertain significance (1 of 4 stars; one submission).

Conditions:
EP300-related disorder. Also called: EP300-related condition; EP300-related disorders.

Submission:

PreventionGenetics, part of Exact Sciences
Classification: Uncertain significance for EP300-related condition. Last evaluated: 2026-03-09. Review status: criteria provided, single submitter. Criteria: ACMG Guidelines, 2015. Collection method: clinical testing. Allele origin: germline.
Comment: The EP300 c.5099A>C variant is predicted to result in the amino acid substitution p.Asn1700Thr. To our knowledge, this variant has not been reported in the literature. This variant is reported in 0.00088% of alleles in individuals of European (Non-Finnish) descent in gnomAD. At this time, the clinical significance of this variant is uncertain due to the absence of conclusive functional and genetic evidence.